The following is an entry in ClinVar:

NM_003239.5(TGFB3):c.110A>G (p.Lys37Arg)

Gene: TGFB3 (transforming growth factor beta 3; minus strand). Cytogenetic location: 14q24.3.
Variant type: single nucleotide variant.
Coding change: c.110A>G on transcript NM_003239.5 (MANE Select); coding-DNA position 110, A replaced by G.
Protein change: p.Lys37Arg; replaces lysine 37 with arginine.
Molecular consequence: missense variant.
Genome position (GRCh38, 1-based): chr14:75,980,784, T>C on the plus strand (A>G on the coding strand, the complement: TGFB3 is on the minus strand). VCF-style: chr14-75980784-T-C. GRCh37 (hg19) VCF-style: chr14-76447127-T-C.
Other names: c.110A>G, p.Lys37Arg (NM_001329938.2, NM_001329939.2); short protein forms K37R.
Identifiers: ClinVar variation 3455813 (VCV003455813.1).

ClinVar aggregate classification (germline): Uncertain significance (1 of 4 stars; one submission).

Conditions:
Familial thoracic aortic aneurysm and aortic dissection (TAAD). Also called: Thoracic aortic aneurysms and dissections. Identifiers: Orphanet 91387, MedGen C4707243, MONDO:0019625.

Submission:

Ambry Genetics
Classification: Uncertain significance for Familial thoracic aortic aneurysm and aortic dissection. Last evaluated: 2024-10-28. Review status: criteria provided, single submitter. Criteria: Ambry Variant Classification Scheme 2023. Collection method: clinical testing. Allele origin: germline.
Comment: The p.K37R variant (also known as c.110A>G), located in coding exon 1 of the TGFB3 gene, results from an A to G substitution at nucleotide position 110. The lysine at codon 37 is replaced by arginine, an amino acid with highly similar properties. This amino acid position is conserved. In addition, this alteration is predicted to be tolerated by in silico analysis. Based on the available evidence, the clinical significance of this variant remains unclear.